The following is an entry in ClinVar:

NM_000059.4(BRCA2):c.6938-3T>G

Gene: BRCA2 (BRCA2 DNA repair associated; plus strand). Cytogenetic location: 13q13.1.
Variant type: single nucleotide variant.
Coding change: c.6938-3T>G on transcript NM_000059.4 (MANE Select); 3 bases into the intron before coding-DNA position 6938, T replaced by G.
Molecular consequence: intron variant.
Genome position (GRCh38, 1-based): chr13:32,346,824, T>G. VCF-style: chr13-32346824-T-G. GRCh37 (hg19) VCF-style: chr13-32920961-T-G.
Identifiers: ClinVar variation 2013166 (VCV002013166.4), dbSNP rs1400188645, ClinGen allele CA2580087333.

ClinVar aggregate classification (germline): Uncertain significance (1 of 4 stars; one submission).

Conditions:
Hereditary breast ovarian cancer syndrome. Also called: Hereditary breast and/or ovarian cancer syndrome; Hereditary breast and ovarian cancer syndrome; BRCA1- and BRCA2-Associated Hereditary Breast and Ovarian Cancer; Breast and ovarian cancer; Hereditary breast and ovarian cancer; Hereditary breast and ovarian cancer syndrome (HBOC). Identifiers: Orphanet 145, MedGen C0677776, MeSH D061325, MONDO:0003582. Disease mechanism: loss of function.

Submission:

Labcorp Genetics (formerly Invitae), Labcorp
Classification: Uncertain significance for Hereditary breast ovarian cancer syndrome. Last evaluated: 2022-08-23. Review status: criteria provided, single submitter. Criteria: Invitae Variant Classification Sherloc (09022015). Collection method: clinical testing. Allele origin: germline.
Comment: In summary, the available evidence is currently insufficient to determine the role of this variant in disease. Therefore, it has been classified as a Variant of Uncertain Significance. Variants that disrupt the consensus splice site are a relatively common cause of aberrant splicing (PMID: 17576681, 9536098). Studies have shown that this variant results in activation of a cryptic splice site and introduces a premature termination codon (Invitae). The resulting mRNA is expected to undergo nonsense-mediated decay. This variant has not been reported in the literature in individuals affected with BRCA2-related conditions. This variant is not present in population databases (gnomAD no frequency). This sequence change falls in intron 12 of the BRCA2 gene. It does not directly change the encoded amino acid sequence of the BRCA2 protein. RNA analysis indicates that this variant induces altered splicing and may result in an absent or disrupted protein product.

Literature cited by the submitters: PubMed 17576681; PubMed 9536098.